The following is an entry in ClinVar:

NM_001852.4(COL9A2):c.472G>T (p.Gly158Cys)

Gene: COL9A2 (collagen type IX alpha 2 chain; minus strand). Cytogenetic location: 1p34.2.
Variant type: single nucleotide variant.
Coding change: c.472G>T on transcript NM_001852.4 (MANE Select); coding-DNA position 472, G replaced by T.
Protein change: p.Gly158Cys; replaces glycine 158 with cysteine.
Molecular consequence: missense variant.
Genome position (GRCh38, 1-based): chr1:40,311,547, C>A on the plus strand (G>T on the coding strand, the complement: COL9A2 is on the minus strand). VCF-style: chr1-40311547-C-A. GRCh37 (hg19) VCF-style: chr1-40777219-C-A.
Other names: short protein forms G158C.
Identifiers: ClinVar variation 1944567 (VCV001944567.5), dbSNP rs1444032636, ClinGen allele CA339856105.

ClinVar aggregate classification (germline): Uncertain significance (1 of 4 stars; one submission).

Allele frequency attached by ClinVar (database versions not stated): TOPMed below 0.00001; gnomAD 0.00001.
gnomAD v4.1: 1 of 1,613,888 alleles (0.000062%); highest among the groups gnomAD compares: Non-Finnish European, 0.000085%; no homozygotes.

Submission:

Labcorp Genetics (formerly Invitae), Labcorp
Classification: Uncertain significance. Last evaluated: 2023-06-10. Review status: criteria provided, single submitter. Criteria: Invitae Variant Classification Sherloc (09022015). Collection method: clinical testing. Allele origin: germline.
Comment: This sequence change replaces glycine, which is neutral and non-polar, with cysteine, which is neutral and slightly polar, at codon 158 of the COL9A2 protein (p.Gly158Cys). In summary, the available evidence is currently insufficient to determine the role of this variant in disease. Therefore, it has been classified as a Variant of Uncertain Significance. Experimental studies and prediction algorithms are not available or were not evaluated, and the functional significance of this variant is currently unknown. ClinVar contains an entry for this variant (Variation ID: 1944567). This variant has not been reported in the literature in individuals affected with COL9A2-related conditions. This variant is present in population databases (no rsID available, gnomAD 0.007%).